The following is an entry in ClinVar:

NM_000435.3(NOTCH3):c.1510T>G (p.Cys504Gly)

Gene: NOTCH3 (notch receptor 3; minus strand). Cytogenetic location: 19p13.12.
Variant type: single nucleotide variant.
Coding change: c.1510T>G on transcript NM_000435.3 (MANE Select); coding-DNA position 1510, T replaced by G.
Protein change: p.Cys504Gly; replaces cysteine 504 with glycine.
Molecular consequence: missense variant.
Genome position (GRCh38, 1-based): chr19:15,187,977, A>C on the plus strand (T>G on the coding strand, the complement: NOTCH3 is on the minus strand). VCF-style: chr19-15187977-A-C. GRCh37 (hg19) VCF-style: chr19-15298788-A-C.
Other names: short protein forms C504G.
Identifiers: ClinVar variation 2707343 (VCV002707343.3), dbSNP rs2145434432, ClinGen allele CA404526586.

ClinVar aggregate classification (germline): Likely pathogenic (1 of 4 stars; one submission).

Submission:

Labcorp Genetics (formerly Invitae), Labcorp
Classification: Likely pathogenic. Last evaluated: 2023-06-05. Review status: criteria provided, single submitter. Criteria: Invitae Variant Classification Sherloc (09022015). Collection method: clinical testing. Allele origin: germline.
Comment: In summary, the currently available evidence indicates that the variant is pathogenic, but additional data are needed to prove that conclusively. Therefore, this variant has been classified as Likely Pathogenic. This variant disrupts the p.Cys504 amino acid residue in NOTCH3. Other variant(s) that disrupt this residue have been determined to be pathogenic (PMID: 35822697; Invitae). This suggests that this residue is clinically significant, and that variants that disrupt this residue are likely to be disease-causing. Advanced modeling of protein sequence and biophysical properties (such as structural, functional, and spatial information, amino acid conservation, physicochemical variation, residue mobility, and thermodynamic stability) performed at Invitae indicates that this missense variant is expected to disrupt NOTCH3 protein function. This variant has not been reported in the literature in individuals affected with NOTCH3-related conditions. This variant is not present in population databases (gnomAD no frequency). This sequence change replaces cysteine, which is neutral and slightly polar, with glycine, which is neutral and non-polar, at codon 504 of the NOTCH3 protein (p.Cys504Gly).

Literature cited by the submitters: PubMed 35822697.